The following is an entry in ClinVar:

GRCh38/hg38 2q24.3(chr2:165209651-166443535)x1

Genes: CSRNP3 (cysteine and serine rich nuclear protein 3; plus strand), GALNT3 (polypeptide N-acetylgalactosaminyltransferase 3; minus strand), SCN1A (sodium voltage-gated channel alpha subunit 1; minus strand), SCN1A-AS1 (SCN1A and SCN9A antisense RNA 1; plus strand), SCN2A (sodium voltage-gated channel alpha subunit 2; plus strand) and 15 more. Cytogenetic location: 2q24.3.
Variant type: copy number loss.
Change: copy number 1 (one copy instead of two) of chr2:165,209,651-166,443,535 (1.23 Mb, GRCh38 coordinates, 1-based), cytogenetic band 2q24.3.
Identifiers: ClinVar variation 4852475 (VCV004852475.1).

ClinVar aggregate classification (germline): Pathogenic (1 of 4 stars; one submission).

Conditions:
West syndrome. Also called: Infantile epileptic spasms syndrome. Identifiers: Orphanet 3451, Orphanet 697160, MedGen C0037769, MONDO:0018097. Disease mechanism: loss of function.

Submission:

Unidad de Genómica Garrahan, Hospital de Pediatría Garrahan
Classification: Pathogenic for West syndrome. Last evaluated: 2024-01-01. Review status: criteria provided, single submitter. Criteria: ACMG/ClinGen CNV Guidelines, 2019. Collection method: clinical testing. Allele origin: germline. Affected: yes. Observed: 1 variant allele.
Comment: The deletion involves partial loss of SCN3A and complete loss of SCN2A and SCN1A; approximate size: 1.2 Mb. ACMG/ClinGen CNV criteria applied: 2A (score 1.00), 4L (score 0.15). This copy number variant was initially identified through a Next Generation Sequencing gene panel with bioinformatic prediction of CNVs (DECoN and panelcn.MOPS) and confirmed by array comparative genomic hybridization (a-CGH, SurePrint G3 Unrestricted CGH ISCA v2, 8x60K oligo-array; Agilent CytoGenomics 5.3.0.14).